The following is an entry in ClinVar:

NM_007118.4(TRIO):c.3874A>G (p.Arg1292Gly)

Gene: TRIO (trio Rho guanine nucleotide exchange factor; plus strand). Cytogenetic location: 5p15.2.
Variant type: single nucleotide variant.
Coding change: c.3874A>G on transcript NM_007118.4 (MANE Select); coding-DNA position 3874, A replaced by G.
Protein change: p.Arg1292Gly; replaces arginine 1292 with glycine.
Molecular consequence: missense variant. On other transcripts: non-coding transcript variant (1).
Genome position (GRCh38, 1-based): chr5:14,387,840, A>G. VCF-style: chr5-14387840-A-G. GRCh37 (hg19) VCF-style: chr5-14387949-A-G.
Other names: short protein forms R1292G.
Identifiers: ClinVar variation 2661976 (VCV002661976.1), dbSNP rs2532857723, ClinGen allele CA359227356.

ClinVar aggregate classification (germline): Uncertain significance (1 of 4 stars; one submission).

Submission:

GeneDx
Classification: Uncertain significance. Last evaluated: 2023-04-28. Review status: criteria provided, single submitter. Criteria: GeneDx Variant Classification Process June 2021. Collection method: clinical testing. Allele origin: germline. Affected: yes.
Comment: Not observed at significant frequency in large population cohorts (gnomAD); In silico analysis supports that this missense variant has a deleterious effect on protein structure/function; Has not been previously published as pathogenic or benign to our knowledge